The following is an entry in ClinVar:

ClinVar aggregate classification (germline): Uncertain significance (1 of 4 stars; one submission).

Conditions:
Familial intrahepatic cholestasis. Identifiers: Orphanet 284385, MedGen CN296401, MONDO:0017290.

Submission:

Genomenon, Inc
Classification: Uncertain significance for Familial intrahepatic cholestasis. Last evaluated: 2026-04-14. Review status: criteria provided, single submitter. Criteria: Genomenon Sequence Variant Interpretation Standards - Updated. Collection method: curation. Allele origin: germline. Affected: yes.
Comment: ABCB4 p.Gly811Arg (c.2431G>C) is a missense variant that changes the amino acid at residue 811 from Glycine to Arginine. This variant has been observed in at least one proband with an ABCB4-related disorder (PMID:26324191). It is absent or not present at a significant frequency in gnomAD. In silico models predict that this variant is possibly or probably damaging. In conclusion, we classify ABCB4 p.Gly811Arg (c.2431G>C) as a variant of uncertain significance.

Literature cited by the submitters: PubMed 26324191.

NM_000443.4(ABCB4):c.2431G>C (p.Gly811Arg)

Gene: ABCB4 (ATP binding cassette subfamily B member 4; minus strand). Cytogenetic location: 7q21.12.
Variant type: single nucleotide variant.
Coding change: c.2431G>C on transcript NM_000443.4 (MANE Select); coding-DNA position 2431, G replaced by C.
Protein change: p.Gly811Arg; replaces glycine 811 with arginine.
Molecular consequence: missense variant.
Genome position (GRCh38, 1-based): chr7:87,418,584, C>G on the plus strand (G>C on the coding strand, the complement: ABCB4 is on the minus strand). VCF-style: chr7-87418584-C-G. GRCh37 (hg19) VCF-style: chr7-87047900-C-G.
Other names: c.2431G>C, p.Gly811Arg (NM_018849.3, NM_018850.3); short protein forms G811R.
Identifiers: ClinVar variation 4846483 (VCV004846483.1).